The following is an entry in ClinVar:

NM_000044.6(AR):c.790C>T (p.Arg264Trp)

Gene: AR (androgen receptor; plus strand). Cytogenetic location: Xq12.
Variant type: single nucleotide variant.
Coding change: c.790C>T on transcript NM_000044.6 (MANE Select); coding-DNA position 790, C replaced by T.
Protein change: p.Arg264Trp; replaces arginine 264 with tryptophan.
Molecular consequence: missense variant. On other transcripts: 5 prime UTR variant (1).
Genome position (GRCh38, 1-based): chrX:67,545,936, C>T. VCF-style: chrX-67545936-C-T. GRCh37 (hg19) VCF-style: chrX-66765778-C-T.
Other names: c.-994C>T (NM_001011645.3); c.790C>T, p.Arg264Trp (NM_001348061.1, NM_001348063.1, NM_001348064.1); short protein forms R264W.
Identifiers: ClinVar variation 4882345 (VCV004882345.2).

ClinVar aggregate classification (germline): Uncertain significance (1 of 4 stars; one submission).

Conditions:
Kennedy disease (SMAX1). Also called: SPINAL AND BULBAR MUSCULAR ATROPHY, X-LINKED 1; KENNEDY SPINAL AND BULBAR MUSCULAR ATROPHY; Spinal and Bulbar Muscular Atrophy. Identifiers: Orphanet 481, MedGen C1839259, MONDO:0010735, OMIM 313200.

gnomAD v4.1: 1 of 1,212,068 alleles (0.000083%); highest among the groups gnomAD compares: South Asian, 0.0018%; no homozygotes.

Submission:

Dasa
Classification: Uncertain significance for Kennedy disease. Last evaluated: 2025-10-15. Review status: criteria provided, single submitter. Criteria: DASA Assertion Criteria. Collection method: clinical testing. Allele origin: germline.
Comment: NM_000044.6(AR):c.790C>T (p.Arg264Trp) is a missense variant that results in the substitution of arginine with tryptophan. This variant is rare in population databases. Computational prediction algorithms are consistent with a deleterious effect. The currently available literature and clinical evidence are not sufficient to establish a definitive association between this variant and the reported condition. Therefore, this variant is classified as a variant of uncertain significance.